The following is an entry in ClinVar:

NM_003482.4(KMT2D):c.12644G>A (p.Ser4215Asn)

Gene: KMT2D (lysine methyltransferase 2D; minus strand). Cytogenetic location: 12q13.12.
Variant type: single nucleotide variant.
Coding change: c.12644G>A on transcript NM_003482.4 (MANE Select); coding-DNA position 12644, G replaced by A.
Protein change: p.Ser4215Asn; replaces serine 4215 with asparagine.
Molecular consequence: missense variant.
Genome position (GRCh38, 1-based): chr12:49,032,061, C>T on the plus strand (G>A on the coding strand, the complement: KMT2D is on the minus strand). VCF-style: chr12-49032061-C-T. GRCh37 (hg19) VCF-style: chr12-49425844-C-T.
Other names: short protein forms S4215N.
Identifiers: ClinVar variation 2180529 (VCV002180529.4), dbSNP rs1447629255, ClinGen allele CA384710189.

ClinVar aggregate classification (germline): Uncertain significance (1 of 4 stars; one submission).

Conditions:
Kabuki syndrome. Also called: NIIKAWA-KUROKI SYNDROME; Kabuki make-up syndrome. Identifiers: Orphanet 2322, MedGen C0796004, MONDO:0016512.

Allele frequency attached by ClinVar (database versions not stated): TOPMed below 0.00001.
gnomAD v4.1: 2 of 1,612,698 alleles (0.00012%); highest among the groups gnomAD compares: Non-Finnish European, 0.00017%; no homozygotes.

Submission:

Labcorp Genetics (formerly Invitae), Labcorp
Classification: Uncertain significance for Kabuki syndrome. Last evaluated: 2022-09-27. Review status: criteria provided, single submitter. Criteria: Invitae Variant Classification Sherloc (09022015). Collection method: clinical testing. Allele origin: germline.
Comment: In summary, the available evidence is currently insufficient to determine the role of this variant in disease. Therefore, it has been classified as a Variant of Uncertain Significance. Advanced modeling of protein sequence and biophysical properties (such as structural, functional, and spatial information, amino acid conservation, physicochemical variation, residue mobility, and thermodynamic stability) performed at Invitae indicates that this missense variant is not expected to disrupt KMT2D protein function. This variant has not been reported in the literature in individuals affected with KMT2D-related conditions. This variant is not present in population databases (gnomAD no frequency). This sequence change replaces serine, which is neutral and polar, with asparagine, which is neutral and polar, at codon 4215 of the KMT2D protein (p.Ser4215Asn).